The following is an entry in ClinVar:

NM_139027.6(ADAMTS13):c.3224G>A (p.Arg1075His)

Gene: ADAMTS13 (ADAM metallopeptidase with thrombospondin type 1 motif 13; plus strand). Cytogenetic location: 9q34.2.
Variant type: single nucleotide variant.
Coding change: c.3224G>A on transcript NM_139027.6 (MANE Select); coding-DNA position 3224, G replaced by A.
Protein change: p.Arg1075His; replaces arginine 1075 with histidine.
Molecular consequence: missense variant. On other transcripts: non-coding transcript variant (1).
Genome position (GRCh38, 1-based): chr9:133,454,594, G>A. VCF-style: chr9-133454594-G-A. GRCh37 (hg19) VCF-style: chr9-136319716-G-A.
Other names: c.3224G>A, p.Arg1075His (NM_139025.5); c.3131G>A, p.Arg1044His (NM_139026.6); short protein forms R1044H, R1075H.
Identifiers: ClinVar variation 1942290 (VCV001942290.2), dbSNP rs138770906, ClinGen allele CA200943328.

ClinVar aggregate classification (germline): Uncertain significance (1 of 4 stars; one submission).

Allele frequency attached by ClinVar (database versions not stated): gnomAD 0.00001; gnomAD exomes 0.00001; TOPMed 0.00001; ExAC 0.00006; ESP Exome Variant Server 0.00008.
gnomAD v4.1: 23 of 1,604,092 alleles (0.0014%); highest among the groups gnomAD compares: South Asian, 0.014%; no homozygotes.

Submission:

Labcorp Genetics (formerly Invitae), Labcorp
Classification: Uncertain significance. Last evaluated: 2022-09-02. Review status: criteria provided, single submitter. Criteria: Invitae Variant Classification Sherloc (09022015). Collection method: clinical testing. Allele origin: germline.
Comment: This sequence change replaces arginine, which is basic and polar, with histidine, which is basic and polar, at codon 1075 of the ADAMTS13 protein (p.Arg1075His). This variant is present in population databases (rs138770906, gnomAD 0.03%). This variant has not been reported in the literature in individuals affected with ADAMTS13-related conditions. Algorithms developed to predict the effect of missense changes on protein structure and function are either unavailable or do not agree on the potential impact of this missense change (SIFT: "Deleterious"; PolyPhen-2: "Benign"; Align-GVGD: "Class C0"). In summary, the available evidence is currently insufficient to determine the role of this variant in disease. Therefore, it has been classified as a Variant of Uncertain Significance.